The following is an entry in ClinVar:

GRCh37/hg19 4q26-28.3(chr4:114872547-138005267)x1

Genes: ABHD18 (abhydrolase domain containing 18; plus strand), ADAD1 (adenosine deaminase domain containing 1; plus strand), AFG2A (AFG2 AAA ATPase homolog A; plus strand), ANKRD50 (ankyrin repeat domain containing 50; minus strand), ANXA5 (annexin A5; minus strand) and 45 more. Cytogenetic location: 4q26-28.3.
Variant type: copy number loss.
Change: copy number 1 (one copy instead of two) of chr4:114,872,547-138,005,267 (23.13 Mb, GRCh37 coordinates, 1-based), cytogenetic band 4q26-28.3.
Identifiers: ClinVar variation 1328453 (VCV001328453.4).

ClinVar aggregate classification (germline): Pathogenic (1 of 4 stars; one submission).

Submission:

Illumina Laboratory Services, Illumina
Classification: Pathogenic. Last evaluated: 2020-12-15. Review status: criteria provided, single submitter. Criteria: ICSL CNVClassificationCriteria Aug2020. Collection method: clinical testing. Allele origin: unknown.
Comment: This CNV is a 23.1 Mb deletion of 4q26q28.3, on chromosome 4, (seq[GRCh37]del(4)(q26q28.3); chr4:g.114872547_138005267del) found in a de novo state. The CNV constitutes a loss encompassing 139 genes, of which 48 are protein coding. Patients with similar gains in this region have not been reported in the peer-reviewed literature. Several individuals with smaller de novo deletions, with the largest reported CNV of 17.7 Mb, which are completely encompassed within this region in the DECIPHER database and in the primary literature who are noted to display overlapping phenotypic features, including dysmorphic features, intellectual disability, and delayed development (Wakui et al. 1991; Firth et al. 2009; Hickey et al. 2013; Fernández-Jaén et al. 2014). Additional clinical presentations reported in some patients include short stature, feeding problems, gastrointestinal and behavioral issues. A number of genes within this CNV have been associated with autosomal recessive conditions, including PRSS12, SEC24D, PLK4, IL21, EXOSC9, MFSD8, INTU, KIAA1109, BBS7, PRDM5, BBS12, FAT4, and SPATA4. Based on the size of this CNV, the numerous genes involved, de novo state, and presence of smaller de novo CNV losses completely encompassed by this CNV in several individuals with overlapping clinical presentations, this CNV is classified as pathogenic.

Literature cited by the submitters: PubMed 1920913; PubMed 19344873; PubMed 23895773; PubMed 24980605.